The following is an entry in ClinVar:

ClinVar aggregate classification (germline): Pathogenic (1 of 4 stars; one submission).

Submission:

Labcorp Genetics (formerly Invitae), Labcorp
Classification: Pathogenic. Last evaluated: 2023-04-06. Review status: criteria provided, single submitter. Criteria: Invitae Variant Classification Sherloc (09022015). Collection method: clinical testing. Allele origin: germline.
Comment: This sequence change creates a premature translational stop signal (p.Lys750Asnfs*4) in the TTC37 gene. It is expected to result in an absent or disrupted protein product. Loss-of-function variants in TTC37 are known to be pathogenic (PMID: 20176027, 21120949). This variant is not present in population databases (gnomAD no frequency). This variant has not been reported in the literature in individuals affected with TTC37-related conditions. For these reasons, this variant has been classified as Pathogenic.

Literature cited by the submitters: PubMed 20176027; PubMed 21120949.

NM_014639.4(SKIC3):c.2250del (p.Lys750fs)

Gene: SKIC3 (SKI3 subunit of superkiller complex; minus strand). Cytogenetic location: 5q15.
Variant type: Deletion.
Coding change: c.2250del on transcript NM_014639.4 (MANE Select); coding-DNA position 2250, one base deleted (A; older notation c.2250delA).
Protein change: p.Lys750fs; shifts the reading frame from lysine 750.
Molecular consequence: frameshift variant.
Genome position (GRCh38, 1-based): chr5:95,517,187, T deleted on the plus strand (A on the coding strand, the reverse complement: SKIC3 is on the minus strand); the first of 4 consecutive T bases (chr5:95,517,187-95,517,190); deleting any one gives the same sequence. VCF-style (leftmost placement, unchanged base first): chr5-95517186-GT-G. GRCh37 (hg19) VCF-style: chr5-94852890-GT-G.
Other names: short protein forms K750fs.
Identifiers: ClinVar variation 2852852 (VCV002852852.3), dbSNP rs2530755469, ClinGen allele CA2578429376.